The following is an entry in ClinVar:

NM_001367561.1(DOCK7):c.4342_4343del (p.Met1448fs)

Gene: DOCK7 (dedicator of cytokinesis 7; minus strand). Cytogenetic location: 1p31.3.
Variant type: Microsatellite.
Coding change: c.4342_4343del on transcript NM_001367561.1 (MANE Select); coding-DNA positions 4342 to 4343, 2 bases deleted (AT; older notation c.4342_4343delAT).
Protein change: p.Met1448fs; shifts the reading frame from methionine 1448.
Molecular consequence: frameshift variant.
Genome position (GRCh38, 1-based): chr1:62,510,613-62,510,614, AT deleted on the plus strand (AT on the coding strand, the reverse complement: DOCK7 is on the minus strand); deleting any 2 consecutive bases within chr1:62,510,613-62,510,616 gives the same sequence; the c. name uses the placement nearest the transcript's 3' end. VCF-style (leftmost placement, unchanged base first): chr1-62510612-CAT-C. GRCh37 (hg19) VCF-style: chr1-62976283-CAT-C.
Other names: c.4315_4316del, p.Met1439fs (NM_001271999.2, NM_001330614.2); c.4222_4223del, p.Met1408fs (NM_001272000.2, NM_001272001.2); c.4249_4250del, p.Met1417fs (NM_033407.4); c.4249_4250delAT (NM_033407.4); short protein forms M1408fs, M1417fs, M1439fs, M1448fs.
Identifiers: ClinVar variation 3896613 (VCV003896613.2).
Genomic context (GRCh38, chr1:62,510,612, plus strand): 5'-AACATAAAATAGAAAGCTGTATTACTTGTCAAGCTTCTCTGTGTTTTGACGCCAGTGAGT[CAT>C]ATCTTTCCTCCACCTCAAATTTTCTTGACTTCCAAAGGCACTTCCAGATGGGCTTCTCTC-3'

ClinVar aggregate classification (germline): Pathogenic (1 of 4 stars; one submission).

Conditions:
Developmental and epileptic encephalopathy, 23 (DEE23). Also called: Epileptic encephalopathy, early infantile, 23. Identifiers: Orphanet 411986, MedGen C4014492, MONDO:0014371, OMIM 615859.

Submission:

Women's Health and Genetics/Laboratory Corporation of America, LabCorp
Classification: Pathogenic for Developmental and epileptic encephalopathy, 23. Last evaluated: 2025-04-28. Review status: criteria provided, single submitter. Criteria: LabCorp Variant Classification Summary - May 2015. Collection method: clinical testing. Allele origin: germline.
Comment: Variant summary: DOCK7 c.4249_4250delAT (p.Met1417AspfsX11) results in a premature termination codon, predicted to cause a truncation of the encoded protein or absence of the protein due to nonsense mediated decay, which are commonly known mechanisms for disease. The variant was absent in 251152 control chromosomes. To our knowledge, no occurrence of c.4249_4250delAT in individuals affected with Developmental And Epileptic Encephalopathy, 23 and no experimental evidence demonstrating its impact on protein function have been reported. No submitters have cited clinical-significance assessments for this variant to ClinVar. Based on the evidence outlined above, the variant was classified as pathogenic.